The following is an entry in ClinVar:

NM_000135.4(FANCA):c.2015-1G>T

Gene: FANCA (FA complementation group A; minus strand). Cytogenetic location: 16q24.3.
Variant type: single nucleotide variant.
Coding change: c.2015-1G>T on transcript NM_000135.4 (MANE Select); the canonical splice acceptor site of the intron before coding-DNA position 2015, G replaced by T.
Molecular consequence: splice acceptor variant.
Genome position (GRCh38, 1-based): chr16:89,771,815, C>A on the plus strand (G>T on the coding strand, the complement: FANCA is on the minus strand). VCF-style: chr16-89771815-C-A. GRCh37 (hg19) VCF-style: chr16-89838223-C-A.
Other names: c.2015-1G>T (NM_001286167.3).
Identifiers: ClinVar variation 974230 (VCV000974230.7), dbSNP rs1555548632, ClinGen allele CA397448769.

ClinVar aggregate classification (germline): Likely pathogenic. Review status: criteria provided, single submitter (1 of 4 stars). 2 submissions from 2 submitters: Likely pathogenic (1). 1 of the submissions does not count toward it. Last evaluated 2022-12-20.

Conditions:
Fanconi anemia (FA). Also called: Fanconi's anemia. Identifiers: Orphanet 84, MedGen C0015625, MeSH D005199, MONDO:0019391.
Fanconi anemia complementation group A (FANCA). Also called: Fanconi anemia, group A; FANCA-Related Fanconi Anemia. Identifiers: Orphanet 84, MedGen C3469521, MONDO:0009215, OMIM 227650.

Allele frequency attached by ClinVar (database versions not stated): gnomAD exomes below 0.00001.

Submissions (2):

Labcorp Genetics (formerly Invitae), Labcorp
Classification: Likely pathogenic for Fanconi anemia. Last evaluated: 2022-12-20. Review status: criteria provided, single submitter. Criteria: Invitae Variant Classification Sherloc (09022015). Collection method: clinical testing. Allele origin: germline.
Comment: This sequence change affects an acceptor splice site in intron 22 of the FANCA gene. It is expected to disrupt RNA splicing. Variants that disrupt the donor or acceptor splice site typically lead to a loss of protein function (PMID: 16199547), and loss-of-function variants in FANCA are known to be pathogenic (PMID: 19367192). In summary, the currently available evidence indicates that the variant is pathogenic, but additional data are needed to prove that conclusively. Therefore, this variant has been classified as Likely Pathogenic. Algorithms developed to predict the effect of sequence changes on RNA splicing suggest that this variant may disrupt the consensus splice site. ClinVar contains an entry for this variant (Variation ID: 974230). Disruption of this splice site has been observed in individual(s) with Fanconi anemia (PMID: 15643609). This variant is not present in population databases (gnomAD no frequency).

Leiden Open Variation Database
Classification: Pathogenic for Fanconi anemia complementation group A. Last evaluated: 2020-02-28. Review status: no assertion criteria provided. Collection method: curation. Allele origin: germline. Affected: yes. Not counted in ClinVar's aggregate classification.
Comment: Curator: Arleen D. Auerbach. Submitter to LOVD: Arleen D. Auerbach.

Literature cited by the submitters: PubMed 16199547 (cited by Labcorp Genetics (formerly Invitae), Labcorp); PubMed 19367192 (cited by Labcorp Genetics (formerly Invitae), Labcorp); PubMed 15643609 (cited by Labcorp Genetics (formerly Invitae), Labcorp).